The following is an entry in ClinVar:

NM_001401501.2(MUC16):c.7357C>A (p.Pro2453Thr)

Gene: MUC16 (mucin 16, cell surface associated; minus strand). Cytogenetic location: 19p13.2.
Variant type: single nucleotide variant.
Coding change: c.7357C>A on transcript NM_001401501.2 (MANE Select); coding-DNA position 7357, C replaced by A.
Protein change: p.Pro2453Thr; replaces proline 2453 with threonine.
Molecular consequence: missense variant.
Genome position (GRCh38, 1-based): chr19:8,973,902, G>T on the plus strand (C>A on the coding strand, the complement: MUC16 is on the minus strand). VCF-style: chr19-8973902-G-T. GRCh37 (hg19) VCF-style: chr19-9084578-G-T.
Other names: c.7783C>A, p.Pro2595Thr (NM_001414686.1); c.7237C>A, p.Pro2413Thr (NM_001414687.1, NM_024690.2); short protein forms P2413T, P2453T, P2595T.
Identifiers: ClinVar variation 3037732 (VCV003037732.2), dbSNP rs114419918, ClinGen allele CA9172238.

ClinVar aggregate classification (germline): Benign (0 of 4 stars; one submission).

Conditions:
MUC16-related disorder. Also called: MUC16-related condition.

Allele frequency attached by ClinVar (database versions not stated): gnomAD exomes 0.00117; 1000 Genomes Project 0.01058; 1000 Genomes Project 30x 0.01077; gnomAD 0.01160; ESP Exome Variant Server 0.01180; TOPMed 0.01370.

Submission:

PreventionGenetics, part of Exact Sciences
Classification: Benign for MUC16-related condition. Last evaluated: 2019-06-06. Review status: no assertion criteria provided. Collection method: clinical testing. Allele origin: germline.
Comment: This variant is classified as benign based on ACMG/AMP sequence variant interpretation guidelines (Richards et al. 2015 PMID: 25741868, with internal and published modifications).